The following is an entry in ClinVar:

NM_000492.4(CFTR):c.3041A>G (p.Tyr1014Cys)

Genes: CFTR (CF transmembrane conductance regulator; plus strand), CFTR-AS2 (CFTR antisense RNA 2; minus strand), LOC111674472 (DNase I hypersensitive sites in introns 16 and 17a of CFTR; plus strand). Cytogenetic location: 7q31.2.
Variant type: single nucleotide variant.
Coding change: c.3041A>G on transcript NM_000492.4 (MANE Select); coding-DNA position 3041, A replaced by G.
Protein change: p.Tyr1014Cys; replaces tyrosine 1014 with cysteine.
Molecular consequence: missense variant.
Genome position (GRCh38, 1-based): chr7:117,610,571, A>G. VCF-style: chr7-117610571-A-G. GRCh37 (hg19) VCF-style: chr7-117250625-A-G.
Identifiers: ClinVar variation 53638 (VCV000053638.81), dbSNP rs149279509, ClinGen allele CA233700.
Genomic context (GRCh38, chr7:117,610,571, plus strand): 5'-TCTTACAGTTGTTATTAATTGTGATTGGAGCTATAGCAGTTGTCGCAGTTTTACAACCCT[A>G]CATCTTTGTTGCAACAGTGCCAGTGATAGTGGCTTTTATTATGTTGAGAGCATATTTCCT-3'
Protein context (NP_000483.3, residues 1004-1024): AIAVVAVLQP[Tyr1014Cys]IFVATVPVIV

ClinVar aggregate classification (germline): Uncertain significance. Review status: reviewed by expert panel (3 of 4 stars). 19 submissions from 18 submitters: Uncertain significance (1). 18 of the submissions do not count toward it. Last evaluated 2017-10-03.

Conditions:
CFTR-related disorder (CFTR-RD). Also called: CFTR-related disorders; CFTR-related condition. Identifiers: MedGen C5924204, MONDO:7770004.
Cystic fibrosis (CF). Also called: MUCOVISCIDOSIS. Identifiers: Orphanet 586, MedGen C0010674, MONDO:0009061, OMIM 219700. Disease mechanism: loss of function.
Hereditary pancreatitis (PCTT). Also called: Hereditary chronic pancreatitis; PRSS1-Related Hereditary Pancreatitis. Identifiers: Orphanet 676, MedGen C0238339, MONDO:0008185, OMIM 167800.
Congenital bilateral aplasia of vas deferens from CFTR mutation (CBAVD). Identifiers: Orphanet 48, MedGen C0403814, MONDO:0010178, OMIM 277180. Disease mechanism: loss of function.
Bronchiectasis with or without elevated sweat chloride 1 (BESC1). Also called: Cystic Fibrosis-Like Syndrome. Identifiers: Orphanet 60033, MedGen C2749757, MONDO:0008887, OMIM 211400.

Allele frequency attached by ClinVar (database versions not stated): 1000 Genomes Project 30x 0.00016; 1000 Genomes Project 0.00020; TOPMed 0.00025; ExAC 0.00027; gnomAD 0.00019; gnomAD exomes 0.00013 and 0.00028; ESP Exome Variant Server 0.00023.
gnomAD v4.1: 253 of 1,613,446 alleles (0.016%); highest among the groups gnomAD compares: Admixed American, 0.055%; no homozygotes.

Submissions 1 to 7 of 19:

CFTR2
Classification: Uncertain significance for Cystic fibrosis. Last evaluated: 2017-10-03. Review status: reviewed by expert panel. Criteria: Submitter's publication and website. Collection method: research. Allele origin: germline. Affected: yes.

GeneDx
Classification: Uncertain significance. Last evaluated: 2026-09-25. Review status: criteria provided, single submitter. Criteria: GeneDx Variant Classification Process June 2021. Collection method: clinical testing. Allele origin: germline. Not counted in ClinVar's aggregate classification.
Comment: Classified as a variant of varying clinical consequence in a well-curated database (CFTR2); Observed multiple times with a pathogenic variant in individuals with cystic fibrosis and atypical cystic fibrosis in published literature, but it is not known whether the variants occurred on the same (in cis) or on different (in trans) chromosomes (PMID: 28546993); In silico analysis supports that this missense variant has a deleterious effect on protein structure/function; This variant is associated with the following publications: (PMID: 26847993, 11466205, 27449771, 25087612, 23951356, 10875853, 29589582, 27022295, 25383785, 25203624, 19812525, 17331079, 15151509, 18687795, 23687349, 32003480, 17663888, 32734384, 34996830, 31036917, 36207272, 31665830, 33922413, 35652053, 34797250, 32773111, 35913788, 34842611, 28546993, 38271453, 38388235, 34405919, 36372909, 30888834, 29669919, 39783834, 39233118, 26182300, 25880441, 39841779, 29805046, 36969284, 39532587, 41543998, 42087576)

Women's Health and Genetics/Laboratory Corporation of America, LabCorp
Classification: Uncertain significance. Last evaluated: 2026-02-02. Review status: criteria provided, single submitter. Criteria: LabCorp Variant Classification Summary - May 2015. Collection method: clinical testing. Allele origin: germline. Not counted in ClinVar's aggregate classification.
Comment: Variant summary: CFTR c.3041A>G (p.Tyr1014Cys) results in a non-conservative amino acid change located in the ABC transporter type 1, transmembrane domain (IPR011527) of the encoded protein sequence. Algorithms developed to predict the effect of missense changes on protein structure and function all suggest that this variant is likely to be disruptive. The variant allele was found at a frequency of 0.00028 in 251138 control chromosomes, predominantly at a frequency of 0.00046 within the Latino subpopulation in the gnomAD database. This frequency is not significantly higher than estimated for disease-causing variants in CFTR, allowing no conclusion about variant significance. c.3041A>G has been reported in the literature in individuals affected with Non-Classic Cystic Fibrosis and CFTR-related phenotypes, including CBAVD, pancreatitis, bronchiectasis, and CF (examples: Casals_2000, Casals_2004, Alonso_2007, Fuster_2007, Audrezet_2008, Werlin_2014, Sanchez_2016, Behar_2017, Zeiger_2019, Saferali_2022). In the majority of these cases, a second mutation was not specified, however at least four patients with a CF phenotype have been reported to carry the variant in compound heterozygosity with another known pathogenic variant (e.g. Fuster 2007, Behar 2017). In addition, the variant has been reported as compound heterozygous genotype in two patients with recurrent acute pancreatitis who carried another pathogenic CFTR variant (though the phase was not tested). These patients were assessed to have abnormal nasal potential differences and elevated sweat chloride levels, indicating a loss of CFTR function (e.g. Werlin 2014). Collectively, these data indicate that the variant may be associated with disease. Several publications report experimental evidence evaluating an impact on protein function. In these studies, cells expressing the variant with or without a second pathogenic mutation had approximately 50-75% wild-type CFTR function (e.g. Raraigh_2018, McCague_2019, Bihler_2024). Disease association was indeterminate based upon these findings. The following publications have been ascertained in the context of this evaluation (PMID: 17331079, 18687795, 31036917, 28546993, 25203624, 15151509, 10875853, 17663888, 29589582, 36969284, 36372909, 26182300, 11466205, 26847993, 25880441, 23951356, 30888834, 29805046, 34996830, 27022295, 25087612, 29669919, 23687349, 25383785, 27449771, 31665830, 19812525, 38388235). ClinVar contains an entry for this variant (Variation ID: 53638). Based on the evidence outlined above, the variant was classified as uncertain significance.

PreventionGenetics, part of Exact Sciences
Classification: Uncertain significance for CFTR-related condition. Last evaluated: 2025-07-30. Review status: criteria provided, single submitter. Criteria: ACMG Guidelines, 2015. Collection method: clinical testing. Allele origin: germline. Not counted in ClinVar's aggregate classification.
Comment: The CFTR c.3041A>G variant is predicted to result in the amino acid substitution p.Tyr1014Cys. This variant has been reported in multiple individuals with cystic fibrosis and CFTR-related phenotypes including congenital absence of the vas deferens, pancreatitis, and bronchiectasis (Casals et al. 2000. PubMed ID: 10875853; Larriba et al. 2001. PubMed ID: 11466205; Casals et al. 2004. PubMed ID: 15151509; de Cid et al. 2010. PubMed ID: 19812525; Werlin et al. 2015. PubMed ID: 25383785; Sánchez et al. 2016. PubMed ID: 27022295; Behar et al. 2017. PubMed ID: 28546993; Zeiger et al. 2020. PubMed ID: 31665830). In vitro functional studies indicate that the p.Tyr1014Cys variant retains approximately 74-75% of CFTR function compared to controls (Raraigh et al 2018. PubMed ID: 29805046; McCague et al. 2019. PubMed ID: 30888834). This variant is reported in 0.38% of alleles in individuals of Ashkenazi Jewish descent in gnomAD and is classified as a variant of uncertain significance by multiple laboratories in ClinVar (Variation ID: 53638). At this time, the clinical significance of this variant is uncertain due to the absence of conclusive functional and genetic evidence.

Ambry Genetics
Classification: Uncertain significance for Cystic fibrosis. Last evaluated: 2025-05-27. Review status: criteria provided, single submitter. Criteria: Ambry Variant Classification Scheme 2023. Collection method: clinical testing. Allele origin: germline. Not counted in ClinVar's aggregate classification.
Comment: The p.Y1014C variant (also known as c.3041A>G), located in coding exon 19 of the CFTR gene, results from an A to G substitution at nucleotide position 3041. The tyrosine at codon 1014 is replaced by cysteine, an amino acid with highly dissimilar properties. This variant was first described in the heterozygous state in two males presenting with congenital bilateral absence of the vas deferens (CBAVD) (Casals T et al. Hum. Reprod., 2000 Jul;15:1476-83; Larriba S et al. Biol. Reprod., 2001 Aug;65:394-400). This variant was also reported in two individuals with abnormal nasal potential differences and acute recurrent pancreatitis. One of these individuals had a sweat chloride level of 100 mEq/L and also carried p.W1282*, while the other individual had a sweat chloride level of 54 mEq/L and carried p.R117H; the phase was not determined in either individual (Werlin S et al. J. Pediatr. Gastroenterol. Nutr., 2015 May;60:675-9). In another study, this variant was found in an individual with bronchiectasis and a negative sweat chloride level in conjunction with the 5T allele; however, the phase was not determined (Casals T et al. Clin. Genet., 2004 Jun;65:490-5). This variant was also detected in three individuals with chronic pancreatitis, both with and without another CFTR alteration (de Cid R et al. Pancreas, 2010 Mar;39:209-15). In CFBE cells, chloride conductance for this variant was 74% of wild type (Raraigh KS et al. Am. J. Hum. Genet., 2018 Jun;102:1062-1077). This amino acid position is highly conserved in available vertebrate species. In addition, this alteration is predicted to be deleterious by in silico analysis. Based on available evidence to date, the clinical significance of this alteration remains unclear.

Blueprint Genetics
Classification: Uncertain significance. Last evaluated: 2024-02-28. Review status: criteria provided, single submitter. Criteria: ACMG Guidelines, 2015. Collection method: clinical testing. Allele origin: germline. Not counted in ClinVar's aggregate classification.

Mayo Clinic Laboratories, Mayo Clinic
Classification: Uncertain significance. Last evaluated: 2023-05-31. Review status: criteria provided, single submitter. Criteria: ACMG Guidelines, 2015. Collection method: clinical testing. Allele origin: germline. Observed: 1 variant allele. Not counted in ClinVar's aggregate classification.
Comment: PP3